The following is an entry in ClinVar:

NM_003998.4(NFKB1):c.56C>T (p.Pro19Leu)

Gene: NFKB1 (nuclear factor kappa B subunit 1; plus strand). Cytogenetic location: 4q24.
Variant type: single nucleotide variant.
Coding change: c.56C>T on transcript NM_003998.4 (MANE Select); coding-DNA position 56, C replaced by T.
Protein change: p.Pro19Leu; replaces proline 19 with leucine.
Molecular consequence: missense variant.
Genome position (GRCh38, 1-based): chr4:102,529,852, C>T. VCF-style: chr4-102529852-C-T. GRCh37 (hg19) VCF-style: chr4-103451009-C-T.
Other names: c.56C>T, p.Pro19Leu (NM_001165412.2, NM_001319226.2, NM_001382625.1 and 2 more transcripts); c.17C>T, p.Pro6Leu (NM_001382628.1); short protein forms P19L, P6L.
Identifiers: ClinVar variation 2281313 (VCV002281313.26), dbSNP rs750825184, ClinGen allele CA3025795.

ClinVar aggregate classification (germline): Conflicting classifications of pathogenicity. Review status: criteria provided, conflicting classifications (1 of 4 stars). 2 submissions from 2 submitters: Uncertain significance (1); Likely benign (1). Last evaluated 2022-11-01.

Conditions:
Inborn genetic diseases. Identifiers: MedGen C0950123, MeSH D030342.

Allele frequency attached by ClinVar (database versions not stated): gnomAD exomes 0.00003; ExAC 0.00008.

Submissions (2):

CeGaT Center for Human Genetics Tuebingen
Classification: Likely benign. Last evaluated: 2022-11-01. Review status: criteria provided, single submitter. Criteria: CeGaT Center For Human Genetics Tuebingen Variant Classification Criteria Version 2. Collection method: clinical testing. Allele origin: germline. Affected: yes. Observed: 1 variant allele.
Comment: NFKB1: BP4

Ambry Genetics
Classification: Uncertain significance for Inborn genetic diseases. Last evaluated: 2022-04-06. Review status: criteria provided, single submitter. Criteria: Ambry Variant Classification Scheme 2023. Collection method: clinical testing. Allele origin: germline.